The following is an entry in ClinVar:

ClinVar aggregate classification (germline): Benign/Likely benign. Review status: criteria provided, multiple submitters, no conflicts (2 of 4 stars). 3 submissions from 3 submitters: Benign (2); Likely benign (1). Last evaluated 2026-09-01.

Allele frequency attached by ClinVar (database versions not stated): 1000 Genomes Project 0.00160; 1000 Genomes Project 30x 0.00187; gnomAD 0.00286 and 0.00299; gnomAD exomes 0.00298 and 0.00417; TOPMed 0.00301; ESP Exome Variant Server 0.00304; ExAC 0.00363.
gnomAD v4.1: 6,479 of 1,611,856 alleles (0.4%); highest among the groups gnomAD compares: Non-Finnish European, 0.49%; 14 homozygotes.

Submissions (3):

CeGaT Center for Human Genetics Tuebingen
Classification: Likely benign. Last evaluated: 2026-09-01. Review status: criteria provided, single submitter. Criteria: CeGaT Center For Human Genetics Tuebingen Variant Classification Criteria Version 2. Collection method: clinical testing. Allele origin: germline. Affected: yes. Observed: 4 variant alleles.
Comment: SLC4A10: BP4, BS2

Labcorp Genetics (formerly Invitae), Labcorp
Classification: Benign. Last evaluated: 2019-12-31. Review status: criteria provided, single submitter. Criteria: Invitae Variant Classification Sherloc (09022015). Collection method: clinical testing. Allele origin: germline.

Breakthrough Genomics
Classification: Benign. Review status: criteria provided, single submitter. Criteria: ACMG Guidelines, 2015. Collection method: not provided. Allele origin: germline. Inheritance: Unknown mechanism. Affected: yes.

NM_001178015.2(SLC4A10):c.1575C>A (p.Ile525=)

Gene: SLC4A10 (solute carrier family 4 member 10; plus strand). Cytogenetic location: 2q24.2.
Variant type: single nucleotide variant.
Coding change: c.1575C>A on transcript NM_001178015.2 (MANE Select); coding-DNA position 1575, C replaced by A.
Protein change: p.Ile525=; no amino-acid change (isoleucine 525 retained).
Molecular consequence: synonymous variant.
Genome position (GRCh38, 1-based): chr2:161,904,136, C>A. VCF-style: chr2-161904136-C-A. GRCh37 (hg19) VCF-style: chr2-162760646-C-A.
Other names: c.1518C>A, p.Ile506= (NM_001178016.2, NM_001354445.2); c.1575C>A, p.Ile525= (NM_001354440.2); c.1608C>A, p.Ile536= (NM_001354441.2, NM_001354442.2); c.1521C>A, p.Ile507= (NM_001354443.2, NM_001354447.2); c.1572C>A, p.Ile524= (NM_001354444.2); c.1485C>A, p.Ile495= (NM_001354446.2, NM_001354450.2, NM_022058.4); c.1515C>A, p.Ile505= (NM_001354448.2); c.1482C>A, p.Ile494= (NM_001354449.2, NM_001354451.2); and 3 more.
Identifiers: ClinVar variation 710546 (VCV000710546.12), dbSNP rs61748242, ClinGen allele CA1931468.
Genomic context (GRCh38, chr2:161,904,136, plus strand): 5'-CAGCCTGCAGTGCTTAGCATCTTTTCTATTTCTCTACTGCGCGTGTATGTCTCCTGTCAT[C>A]ACGTTTGGAGGACTGCTGGGAGAAGCAACTGAAGGGCGTATAGTATGTATTATGCTTTTC-3'
Protein context (NP_001171486.1, residues 515-535): FLYCACMSPV[Ile525=]TFGGLLGEAT